The following is an entry in ClinVar:

NM_000290.4(PGAM2):c.719G>A (p.Arg240Gln)

Genes: DBNL (drebrin like; plus strand), PGAM2 (phosphoglycerate mutase 2; minus strand). Cytogenetic location: 7p13.
Variant type: single nucleotide variant.
Coding change: c.719G>A on transcript NM_000290.4 (MANE Select); coding-DNA position 719, G replaced by A.
Protein change: p.Arg240Gln; replaces arginine 240 with glutamine.
Molecular consequence: missense variant. On other transcripts: 3 prime UTR variant (6).
Genome position (GRCh38, 1-based): chr7:44,062,807, C>T on the plus strand (G>A on the coding strand, the complement: PGAM2 is on the minus strand). VCF-style: chr7-44062807-C-T. GRCh37 (hg19) VCF-style: chr7-44102406-C-T.
Other names: c.*1891C>T (NM_001014436.3, NM_001122956.2, NM_001284313.2 and 3 more transcripts); short protein forms R240Q.
Identifiers: ClinVar variation 1015223 (VCV001015223.4), dbSNP rs369482159, ClinGen allele CA4236488.

ClinVar aggregate classification (germline): Uncertain significance. Review status: criteria provided, multiple submitters, no conflicts (2 of 4 stars). 3 submissions from 3 submitters: Uncertain significance (3). Last evaluated 2023-11-16.

Conditions:
Glycogen storage disease type X (GSD10). Also called: GSD X; MYOPATHY DUE TO PHOSPHOGLYCERATE MUTASE DEFICIENCY; Glycogen storage disease due to phosphoglycerate mutase deficiency; Dimauro disease; PGAMM DEFICIENCY; PHOSPHOGLYCERATE MUTASE, MUSCLE, DEFICIENCY OF. Identifiers: Orphanet 97234, MedGen C0268149, MONDO:0009865, OMIM 261670.
Inborn genetic diseases. Identifiers: MedGen C0950123, MeSH D030342.

Allele frequency attached by ClinVar (database versions not stated): ExAC 0.00003; gnomAD 0.00003; gnomAD exomes 0.00003 and 0.00010; TOPMed 0.00004.
gnomAD v4.1: 141 of 1,614,116 alleles (0.0087%); highest among the groups gnomAD compares: Non-Finnish European, 0.011%; no homozygotes.

Submissions (3):

Blueprint Genetics
Classification: Uncertain significance. Last evaluated: 2023-11-16. Review status: criteria provided, single submitter. Criteria: ACMG Guidelines, 2015. Collection method: clinical testing. Allele origin: germline.

Ambry Genetics
Classification: Uncertain significance for Inborn genetic diseases. Last evaluated: 2023-09-26. Review status: criteria provided, single submitter. Criteria: Ambry Variant Classification Scheme 2023. Collection method: clinical testing. Allele origin: germline.

Labcorp Genetics (formerly Invitae), Labcorp
Classification: Uncertain significance for Glycogen storage disease type X. Last evaluated: 2022-10-13. Review status: criteria provided, single submitter. Criteria: Invitae Variant Classification Sherloc (09022015). Collection method: clinical testing. Allele origin: germline.
Comment: This sequence change replaces arginine, which is basic and polar, with glutamine, which is neutral and polar, at codon 240 of the PGAM2 protein (p.Arg240Gln). This variant is present in population databases (rs369482159, gnomAD 0.006%). This variant has not been reported in the literature in individuals affected with PGAM2-related conditions. ClinVar contains an entry for this variant (Variation ID: 1015223). Algorithms developed to predict the effect of missense changes on protein structure and function (SIFT, PolyPhen-2, Align-GVGD) all suggest that this variant is likely to be tolerated. In summary, the available evidence is currently insufficient to determine the role of this variant in disease. Therefore, it has been classified as a Variant of Uncertain Significance.